The following is an entry in ClinVar:

NM_016222.4(DDX41):c.1668G>T (p.Lys556Asn)

Gene: DDX41 (DEAD-box helicase 41; minus strand). Cytogenetic location: 5q35.3.
Variant type: single nucleotide variant.
Coding change: c.1668G>T on transcript NM_016222.4 (MANE Select); coding-DNA position 1668, G replaced by T.
Protein change: p.Lys556Asn; replaces lysine 556 with asparagine.
Molecular consequence: missense variant.
Genome position (GRCh38, 1-based): chr5:177,512,160, C>A on the plus strand (G>T on the coding strand, the complement: DDX41 is on the minus strand). VCF-style: chr5-177512160-C-A. GRCh37 (hg19) VCF-style: chr5-176939161-C-A.
Other names: c.1290G>T, p.Lys430Asn (NM_001321732.2, NM_001321830.2); c.1668G>T (NM_016222.2); short protein forms K430N, K556N.
Identifiers: ClinVar variation 977491 (VCV000977491.9), dbSNP rs969403252, ClinGen allele CA132889319.

ClinVar aggregate classification (germline): Uncertain significance. Review status: criteria provided, multiple submitters, no conflicts (2 of 4 stars). 6 submissions from 6 submitters: Uncertain significance (6). Last evaluated 2025-11-06.

Conditions:
Inborn genetic diseases. Identifiers: MedGen C0950123, MeSH D030342.
DDX41-related hematologic malignancy predisposition syndrome. Also called: Myeloproliferative/lymphoproliferative neoplasms, familial (multiple types), susceptibility to; DDX41-Associated Familial Myelodysplastic Syndrome and Acute Myeloid Leukemia. Identifiers: Orphanet 488647, MedGen C4225174, MONDO:0014809, OMIM 616871.

Allele frequency attached by ClinVar (database versions not stated): TOPMed 0.00001.
gnomAD v4.1: 5 of 1,613,532 alleles (0.00031%); highest among the groups gnomAD compares: Admixed American, 0.0067%; no homozygotes.

Submissions (6):

Labcorp Genetics (formerly Invitae), Labcorp
Classification: Uncertain significance. Last evaluated: 2025-11-06. Review status: criteria provided, single submitter. Criteria: Invitae Variant Classification Sherloc (09022015). Collection method: clinical testing. Allele origin: germline.
Comment: This sequence change replaces lysine, which is basic and polar, with asparagine, which is neutral and polar, at codon 556 of the DDX41 protein (p.Lys556Asn). This variant is present in population databases (no rsID available, gnomAD 0.006%). This missense change has been observed in individual(s) with thrombocytopenia (PMID: 37199125). ClinVar contains an entry for this variant (Variation ID: 977491). An algorithm developed to predict the effect of missense changes on protein structure and function (PolyPhen-2) suggests that this variant is likely to be disruptive. In summary, the available evidence is currently insufficient to determine the role of this variant in disease. Therefore, it has been classified as a Variant of Uncertain Significance.

Ambry Genetics
Classification: Uncertain significance for Inborn genetic diseases. Last evaluated: 2024-12-12. Review status: criteria provided, single submitter. Criteria: Ambry Variant Classification Scheme 2023. Collection method: clinical testing. Allele origin: germline.
Comment: The p.K556N variant (also known as c.1668G>T), located in coding exon 16 of the DDX41 gene, results from a G to T substitution at nucleotide position 1668. The lysine at codon 556 is replaced by asparagine, an amino acid with similar properties. This amino acid position is highly conserved in available vertebrate species. In addition, this alteration is predicted to be tolerated by in silico analysis. Based on the available evidence, the clinical significance of this variant remains unclear.

GeneDx
Classification: Uncertain significance. Last evaluated: 2024-07-14. Review status: criteria provided, single submitter. Criteria: GeneDx Variant Classification Process June 2021. Collection method: clinical testing. Allele origin: germline. Affected: yes.
Comment: Not observed at significant frequency in large population cohorts (gnomAD); In silico analysis supports that this missense variant has a deleterious effect on protein structure/function; Identified in a blood or bone marrow sample from a patient with thrombocytopenia and was presumed germline based on the variant allele frequency (PMID: 37199125); This variant is associated with the following publications: (PMID: 26712909, 25920683, 37506341, 37199125, 27721487)

Baylor Genetics
Classification: Uncertain significance for DDX41-related hematologic malignancy predisposition syndrome. Last evaluated: 2024-03-18. Review status: criteria provided, single submitter. Criteria: ACMG Guidelines, 2015. Collection method: clinical testing. Allele origin: unknown.

Department of Pathology and Laboratory Medicine, Sinai Health System
Classification: Uncertain significance for DDX41-related hematologic malignancy predisposition syndrome. Last evaluated: 2022-07-11. Review status: criteria provided, single submitter. Criteria: ACMG Guidelines, 2015. Collection method: research. Allele origin: germline.

Johns Hopkins Genomics, Johns Hopkins University
Classification: Uncertain significance for DDX41-related hematologic malignancy predisposition syndrome. Last evaluated: 2020-08-05. Review status: criteria provided, single submitter. Criteria: ACMG Guidelines, 2015. Collection method: clinical testing. Allele origin: germline.
Comment: This DDX41 variant (rs969403252) is rare (<0.1%) in a large population dataset (gnomAD: 2/250050 total alleles; 0.0008%; no homozygotes) and has not been reported in ClinVar nor the literature to our knowledge. Two bioinformatics tools queried predict that this substitution would be tolerated, while another predicts it would be damaging. The lysine residue at this position is strongly conserved across the vertebrate species accessed and is located within the C-terminal helicase domain of DDX4110. This variant is not predicted to affect normal exon 16 splicing, although this has not been confirmed experimentally to our knowledge. Due to insufficient evidence, we consider the clinical significance of c.1668G>T to be uncertain at this time.

Literature cited by the submitters: PubMed 37199125 (cited by Labcorp Genetics (formerly Invitae), Labcorp); PubMed 25920683 (cited by Johns Hopkins Genomics, Johns Hopkins University); PubMed 26712909 (cited by Johns Hopkins Genomics, Johns Hopkins University).